The following is an entry in ClinVar:

NM_000135.4(FANCA):c.991del (p.Ser331fs)

Gene: FANCA (FA complementation group A; minus strand). Cytogenetic location: 16q24.3.
Variant type: Deletion.
Coding change: c.991del on transcript NM_000135.4 (MANE Select); coding-DNA position 991, one base deleted (A; older notation c.991delA).
Protein change: p.Ser331fs; shifts the reading frame from serine 331.
Molecular consequence: frameshift variant.
Genome position (GRCh38, 1-based): chr16:89,795,921, T deleted on the plus strand (A on the coding strand, the reverse complement: FANCA is on the minus strand). VCF-style (leftmost placement, unchanged base first): chr16-89795920-CT-C. GRCh37 (hg19) VCF-style: chr16-89862328-CT-C.
Other names: c.991del (NM_000135.3); c.991del, p.Ser331fs (NM_001286167.3); short protein forms S331fs.
Identifiers: ClinVar variation 1331378 (VCV001331378.9), dbSNP rs746236214, ClinGen allele CA8252600.
Genomic context (GRCh38, chr16:89,795,920, plus strand): 5'-ATCCCCAAAATGGGTAGCAACTGAGCAGCCTCCACACTGGGCCTACCTTTCAGCACAGGG[CT>C]GTGAGTGAGTATCTGAGTCAGGGTATGACTGAAGAACCTCTTCAGAGGATCTGTGGAAAT-3'

ClinVar aggregate classification (germline): Pathogenic/Likely pathogenic. Review status: criteria provided, multiple submitters, no conflicts (2 of 4 stars). 5 submissions from 5 submitters: Pathogenic (4); Likely pathogenic (1). Last evaluated 2023-09-27.

Conditions:
Fanconi anemia (FA). Also called: Fanconi's anemia. Identifiers: Orphanet 84, MedGen C0015625, MeSH D005199, MONDO:0019391.
Fanconi anemia complementation group A (FANCA). Also called: Fanconi anemia, group A; FANCA-Related Fanconi Anemia. Identifiers: Orphanet 84, MedGen C3469521, MONDO:0009215, OMIM 227650.

Allele frequency attached by ClinVar (database versions not stated): gnomAD exomes below 0.00001 and 0.00001; ExAC 0.00001.

Submissions (5):

Quest Diagnostics Nichols Institute San Juan Capistrano
Classification: Pathogenic. Last evaluated: 2023-09-27. Review status: criteria provided, single submitter. Criteria: Quest Diagnostics criteria. Collection method: clinical testing. Allele origin: unknown.
Comment: The FANCA c.991del (p.Ser331Alafs*4) variant alters the translational reading frame of the FANCA mRNA and causes the premature termination of FANCA protein synthesis. This variant has been reported in the published literature in an individual with Fanconi Anemia (PMID: 29098742 (2018)). The frequency of this variant in the general population, 0.000087 (3/34592 chromosomes (Genome Aggregation Database)), is consistent with pathogenicity. Based on the available information, this variant is classified as pathogenic.

Labcorp Genetics (formerly Invitae), Labcorp
Classification: Pathogenic for Fanconi anemia. Last evaluated: 2023-09-12. Review status: criteria provided, single submitter. Criteria: Invitae Variant Classification Sherloc (09022015). Collection method: clinical testing. Allele origin: germline.
Comment: This sequence change creates a premature translational stop signal (p.Ser331Alafs*4) in the FANCA gene. It is expected to result in an absent or disrupted protein product. Loss-of-function variants in FANCA are known to be pathogenic (PMID: 19367192). This variant is present in population databases (rs746236214, gnomAD 0.009%). This premature translational stop signal has been observed in individual(s) with Fanconi anemia (PMID: 29098742). ClinVar contains an entry for this variant (Variation ID: 1331378). For these reasons, this variant has been classified as Pathogenic.

Baylor Genetics
Classification: Pathogenic for Fanconi anemia complementation group A. Last evaluated: 2022-06-20. Review status: criteria provided, single submitter. Criteria: ACMG Guidelines, 2015. Collection method: clinical testing. Allele origin: unknown.

Women's Health and Genetics/Laboratory Corporation of America, LabCorp
Classification: Likely pathogenic for Fanconi anemia. Last evaluated: 2021-12-10. Review status: criteria provided, single submitter. Criteria: LabCorp Variant Classification Summary - May 2015. Collection method: clinical testing. Allele origin: germline.
Comment: Variant summary: FANCA c.991delA (p.Ser331AlafsX4) results in a premature termination codon, predicted to cause a truncation of the encoded protein or absence of the protein due to nonsense mediated decay, which are commonly known mechanisms for disease. Truncations downstream of this position have been reported in individuals affected with Fanconi anaemia (HGMD). The variant allele was found at a frequency of 1.2e-05 in 251484 control chromosomes (gnomAD). c.991delA has been reported in the literature in an individual affected with Fanconi Anemia (Kimble_2018). To our knowledge, no experimental evidence demonstrating an impact on protein function has been reported. No clinical diagnostic laboratories have submitted clinical-significance assessments for this variant to ClinVar after 2014. Based on the evidence outlined above, the variant was classified as likely pathogenic.

Fulgent Genetics
Classification: Pathogenic for Fanconi anemia complementation group A. Last evaluated: 2021-10-12. Review status: criteria provided, single submitter. Criteria: ACMG Guidelines, 2015. Collection method: clinical testing. Allele origin: unknown.

Literature cited by the submitters: PubMed 29098742 (cited by 3 submitters); PubMed 19367192 (cited by Labcorp Genetics (formerly Invitae), Labcorp).